The following is an entry in ClinVar:

ClinVar aggregate classification (germline): Uncertain significance (1 of 4 stars; one submission).

Allele frequency attached by ClinVar (database versions not stated): gnomAD exomes below 0.00001.
gnomAD v4.1: 1 of 1,614,002 alleles (0.000062%); highest among the groups gnomAD compares: South Asian, 0.0011%; no homozygotes.

Submission:

Labcorp Genetics (formerly Invitae), Labcorp
Classification: Uncertain significance. Last evaluated: 2022-02-25. Review status: criteria provided, single submitter. Criteria: Invitae Variant Classification Sherloc (09022015). Collection method: clinical testing. Allele origin: germline.
Comment: In summary, the available evidence is currently insufficient to determine the role of this variant in disease. Therefore, it has been classified as a Variant of Uncertain Significance. Algorithms developed to predict the effect of missense changes on protein structure and function (SIFT, PolyPhen-2, Align-GVGD) all suggest that this variant is likely to be disruptive. This variant has not been reported in the literature in individuals affected with DPYS-related conditions. This variant is not present in population databases (gnomAD no frequency). This sequence change replaces alanine, which is neutral and non-polar, with serine, which is neutral and polar, at codon 163 of the DPYS protein (p.Ala163Ser).

NM_001385.3(DPYS):c.487G>T (p.Ala163Ser)

Gene: DPYS (dihydropyrimidinase; minus strand). Cytogenetic location: 8q22.3.
Variant type: single nucleotide variant.
Coding change: c.487G>T on transcript NM_001385.3 (MANE Select); coding-DNA position 487, G replaced by T.
Protein change: p.Ala163Ser; replaces alanine 163 with serine.
Molecular consequence: missense variant.
Genome position (GRCh38, 1-based): chr8:104,447,440, C>A on the plus strand (G>T on the coding strand, the complement: DPYS is on the minus strand). VCF-style: chr8-104447440-C-A. GRCh37 (hg19) VCF-style: chr8-105459668-C-A.
Other names: short protein forms A163S.
Identifiers: ClinVar variation 2103684 (VCV002103684.4), dbSNP rs2537827089, ClinGen allele CA371937546.